The following is an entry in ClinVar:

ClinVar aggregate classification (germline): Uncertain significance. Review status: criteria provided, multiple submitters, no conflicts (2 of 4 stars). 2 submissions from 2 submitters: Uncertain significance (2). Last evaluated 2024-09-23.

Conditions:
RYR1-related disorder. Also called: RYR1-related disorders; RYR1-related condition. Identifiers: MedGen CN239331.
Malignant hyperthermia, susceptibility to, 1 (MHS1). Also called: Anesthesia related hyperthermia; Malignant hyperpyrexia; Fulminating hyperpyrexia; Pharmacogenic myopathy; Malignant hyperthermia suceptibility 1; RYR1-Related Malignant Hyperthermia Susceptibility. Identifiers: Orphanet 423, MedGen C2930980, MONDO:0007783, OMIM 145600.

Allele frequency attached by ClinVar (database versions not stated): gnomAD 0.00001; gnomAD exomes 0.00002 and 0.00004; ExAC 0.00005.
gnomAD v4.1: 30 of 1,614,192 alleles (0.0019%); highest among the groups gnomAD compares: South Asian, 0.027%; no homozygotes.

Submissions (2):

All of Us Research Program, National Institutes of Health
Classification: Uncertain significance for Malignant hyperthermia, susceptibility to, 1. Last evaluated: 2024-09-23. Review status: criteria provided, single submitter. Criteria: ACMG Guidelines, 2015. Collection method: clinical testing. Allele origin: germline. Inheritance: Autosomal dominant inheritance. Observed: 6 variant alleles, 6 heterozygotes.
Comment: This variant causes a G to A nucleotide substitution at the +3 position of intron 100 of the RYR1 gene. To our knowledge, functional studies have not been reported for this variant. This variant has not been reported in individuals affected with RYR1-related disorders in the literature. This variant has been identified in 10/251006 chromosomes in the general population by the Genome Aggregation Database (gnomAD). The available evidence is insufficient to determine the role of this variant in disease conclusively. Therefore, this variant is classified as a Variant of Uncertain Significance.

This study involves interpretation of variants in research participants for the purpose of population health screening. Participant phenotype was not available at the time of variant classification. Additional details can be found in publication PMID: 35346344, PMCID: PMC8962531

Labcorp Genetics (formerly Invitae), Labcorp
Classification: Uncertain significance for RYR1-related disorder. Last evaluated: 2022-08-23. Review status: criteria provided, single submitter. Criteria: Invitae Variant Classification Sherloc (09022015). Collection method: clinical testing. Allele origin: germline.
Comment: This sequence change falls in intron 100 of the RYR1 gene. It does not directly change the encoded amino acid sequence of the RYR1 protein. It affects a nucleotide within the consensus splice site. This variant is present in population databases (rs775443082, gnomAD 0.03%). This variant has not been reported in the literature in individuals affected with RYR1-related conditions. ClinVar contains an entry for this variant (Variation ID: 934323). Variants that disrupt the consensus splice site are a relatively common cause of aberrant splicing (PMID: 17576681, 9536098). Algorithms developed to predict the effect of sequence changes on RNA splicing suggest that this variant is not likely to affect RNA splicing. In summary, the available evidence is currently insufficient to determine the role of this variant in disease. Therefore, it has been classified as a Variant of Uncertain Significance.

Literature cited by the submitters: PubMed 17576681 (cited by Labcorp Genetics (formerly Invitae), Labcorp); PubMed 9536098 (cited by Labcorp Genetics (formerly Invitae), Labcorp).

NM_000540.3(RYR1):c.14511+3G>A

Gene: RYR1 (ryanodine receptor 1; plus strand). Cytogenetic location: 19q13.2.
Variant type: single nucleotide variant.
Coding change: c.14511+3G>A on transcript NM_000540.3 (MANE Select); 3 bases into the intron after coding-DNA position 14511, G replaced by A.
Molecular consequence: intron variant.
Genome position (GRCh38, 1-based): chr19:38,580,131, G>A. VCF-style: chr19-38580131-G-A. GRCh37 (hg19) VCF-style: chr19-39070771-G-A.
Other names: c.14496+3G>A (NM_001042723.2).
Identifiers: ClinVar variation 934323 (VCV000934323.5), dbSNP rs775443082, ClinGen allele CA061343.